The following is an entry in ClinVar:

NM_001384732.1(CPLANE1):c.5604A>T (p.Ile1868=)

Gene: CPLANE1 (ciliogenesis and planar polarity effector complex subunit 1; minus strand). Cytogenetic location: 5p13.2.
Variant type: single nucleotide variant.
Coding change: c.5604A>T on transcript NM_001384732.1 (MANE Select); coding-DNA position 5604, A replaced by T.
Protein change: p.Ile1868=; no amino-acid change (isoleucine 1868 retained).
Molecular consequence: synonymous variant.
Genome position (GRCh38, 1-based): chr5:37,180,150, T>A on the plus strand (A>T on the coding strand, the complement: CPLANE1 is on the minus strand). VCF-style: chr5-37180150-T-A. GRCh37 (hg19) VCF-style: chr5-37180252-T-A.
Other names: c.5604A>T, p.Ile1868= (NM_023073.4).
Identifiers: ClinVar variation 3389943 (VCV003389943.14).

ClinVar aggregate classification (germline): Likely benign (1 of 4 stars; one submission).

Submission:

CeGaT Center for Human Genetics Tuebingen
Classification: Likely benign. Last evaluated: 2024-10-01. Review status: criteria provided, single submitter. Criteria: CeGaT Center For Human Genetics Tuebingen Variant Classification Criteria Version 2. Collection method: clinical testing. Allele origin: germline. Affected: yes. Observed: 1 variant allele.
Comment: CPLANE1: PM2:Supporting, BP4, BP7